The following is an entry in ClinVar:

NM_005912.3(MC4R):c.404C>T (p.Ala135Val)

Gene: MC4R (melanocortin 4 receptor; minus strand). Cytogenetic location: 18q21.32.
Variant type: single nucleotide variant.
Coding change: c.404C>T on transcript NM_005912.3 (MANE Select); coding-DNA position 404, C replaced by T.
Protein change: p.Ala135Val; replaces alanine 135 with valine.
Molecular consequence: missense variant.
Genome position (GRCh38, 1-based): chr18:60,371,946, G>A on the plus strand (C>T on the coding strand, the complement: MC4R is on the minus strand). VCF-style: chr18-60371946-G-A. GRCh37 (hg19) VCF-style: chr18-58039179-G-A.
Other names: short protein forms A135V.
Identifiers: ClinVar variation 3353938 (VCV003353938.1).
Genomic context (GRCh38, chr18:60,371,946, plus strand): 5'-AGAGCATAGAAGATAGTAAAGTACCTGTCCACTGCAATTGAAAGCAGGCTGCAAATGGAT[G>A]CAAGCAAGGAGCTACAGATCACCGAGTCAATGACATTATCAATATTCACTGTGAAACTCT-3'
Protein context (NP_005903.2, residues 125-145): IDSVICSSLL[Ala135Val]SICSLLSIAV

ClinVar aggregate classification (germline): Uncertain significance (0 of 4 stars; one submission).

Conditions:
MC4R-related disorder. Also called: MC4R-related condition.

gnomAD v4.1: 1 of 1,614,146 alleles (0.000062%); highest among the groups gnomAD compares: Non-Finnish European, 0.000085%; no homozygotes.

Submission:

PreventionGenetics, part of Exact Sciences
Classification: Uncertain significance for MC4R-related condition. Last evaluated: 2024-06-27. Review status: no assertion criteria provided. Collection method: clinical testing. Allele origin: germline.
Comment: The MC4R c.404C>T variant is predicted to result in the amino acid substitution p.Ala135Val. To our knowledge, this variant has not been reported in the literature or in a large population database, indicating this variant is rare. At this time, the clinical significance of this variant is uncertain due to the absence of conclusive functional and genetic evidence.